The following is an entry in ClinVar:

ClinVar aggregate classification (germline): Likely pathogenic (1 of 4 stars; one submission).

Submission:

Labcorp Genetics (formerly Invitae), Labcorp
Classification: Likely pathogenic. Last evaluated: 2023-05-23. Review status: criteria provided, single submitter. Criteria: Invitae Variant Classification Sherloc (09022015). Collection method: clinical testing. Allele origin: germline.
Comment: This sequence change creates a premature translational stop signal (p.Ser547*) in the FZD2 gene. While this is not anticipated to result in nonsense mediated decay, it is expected to disrupt the last 19 amino acid(s) of the FZD2 protein. In summary, the currently available evidence indicates that the variant is pathogenic, but additional data are needed to prove that conclusively. Therefore, this variant has been classified as Likely Pathogenic. This premature translational stop signal has been observed in individual(s) with clinical features of Robinow syndrome (PMID: 29383834; Invitae). In at least one individual the variant was observed to be de novo. This variant is not present in population databases (gnomAD no frequency).

Literature cited by the submitters: PubMed 29383834.

NM_001466.4(FZD2):c.1640C>A (p.Ser547Ter)

Gene: FZD2 (frizzled class receptor 2; plus strand). Cytogenetic location: 17q21.31.
Variant type: single nucleotide variant.
Coding change: c.1640C>A on transcript NM_001466.4 (MANE Select); coding-DNA position 1640, C replaced by A.
Protein change: p.Ser547Ter; replaces serine 547 with a stop codon.
Molecular consequence: nonsense.
Genome position (GRCh38, 1-based): chr17:44,559,328, C>A. VCF-style: chr17-44559328-C-A. GRCh37 (hg19) VCF-style: chr17-42636696-C-A.
Other names: short protein forms S547*.
Identifiers: ClinVar variation 2910434 (VCV002910434.3), dbSNP rs2544585235, ClinGen allele CA399800507.